The following is an entry in ClinVar:

NM_024598.4(USB1):c.516_517delinsTT (p.Leu173Phe)

Gene: USB1 (U6 snRNA biogenesis phosphodiesterase 1; plus strand). Cytogenetic location: 16q21.
Variant type: Indel.
Coding change: c.516_517delinsTT on transcript NM_024598.4 (MANE Select); coding-DNA positions 516 to 517, GC replaced by TT.
Protein change: p.Leu173Phe; replaces leucine 173 with phenylalanine.
Molecular consequence: missense variant.
Genome position (GRCh38, 1-based): chr16:58,017,346-58,017,347, GC replaced by TT. VCF-style: chr16-58017346-GC-TT. GRCh37 (hg19) VCF-style: chr16-58051250-GC-TT.
Other names: c.462_463delinsTT, p.Leu155Phe (NM_001195302.2); c.363_364delinsTT, p.Leu122Phe (NM_001330568.2); short protein forms L122F, L155F, L173F.
Identifiers: ClinVar variation 1395970 (VCV001395970.6), dbSNP rs2142311639, ClinGen allele CA2573152502.

ClinVar aggregate classification (germline): Uncertain significance (1 of 4 stars; one submission).

Submission:

Labcorp Genetics (formerly Invitae), Labcorp
Classification: Uncertain significance. Last evaluated: 2020-11-25. Review status: criteria provided, single submitter. Criteria: Invitae Variant Classification Sherloc (09022015). Collection method: clinical testing. Allele origin: germline.
Comment: In summary, the available evidence is currently insufficient to determine the role of this variant in disease. Therefore, it has been classified as a Variant of Uncertain Significance. Experimental studies and prediction algorithms are not available or were not evaluated, and the functional significance of this variant is currently unknown. This variant has not been reported in the literature in individuals with USB1-related conditions. The frequency data for this variant in the population databases is not available, as this variant may be reported as separate entries in the ExAC database. This sequence change replaces leucine with phenylalanine at codon 173 of the USB1 protein (p.Leu173Phe). The leucine residue is moderately conserved and there is a small physicochemical difference between leucine and phenylalanine.